The following is an entry in ClinVar:

ClinVar aggregate classification (germline): Pathogenic (1 of 4 stars; one submission).

Conditions:
Hereditary breast ovarian cancer syndrome. Also called: Hereditary breast and ovarian cancer; Hereditary breast and ovarian cancer syndrome (HBOC); Hereditary breast and ovarian cancer syndrome; BRCA1- and BRCA2-Associated Hereditary Breast and Ovarian Cancer; Hereditary breast and/or ovarian cancer syndrome; Breast and ovarian cancer. Identifiers: Orphanet 145, MedGen C0677776, MeSH D061325, MONDO:0003582. Disease mechanism: loss of function.

Submission:

Women's Health and Genetics/Laboratory Corporation of America, LabCorp
Classification: Pathogenic for Hereditary breast ovarian cancer syndrome. Last evaluated: 2023-05-22. Review status: criteria provided, single submitter. Criteria: LabCorp Variant Classification Summary - May 2015. Collection method: clinical testing. Allele origin: germline.
Comment: Variant summary: The variant identified by MLPA or other technology involves the deletion of exons 20-23 in the BRCA1 gene. A presumed nomenclature of c.(5277+1_5278-1)_(*1384_?)del has been designated for the purposes of this classification. Although exact breakpoints of this deletion are not known, this variant results in the disruption of the C-terminal BRCT domain. The variant was absent in 21694 control chromosomes (gnomAD, Structural Variants dataset). c.(5277+1_5278-1)_(*1384_?)del has been reported in the literature in numerous individuals affected with Hereditary Breast And Ovarian Cancer Syndrome worldwide (e.g., Rebbeck_2018). The following publication was ascertained in the context of this evaluation (PMID: 29446198). Three ClinVar submitters (evaluation after 2014) have cited the variant, and all submitters classified the variant as pathogenic. Based on the evidence outlined above, the variant was classified as pathogenic.

Literature cited by the submitters: PubMed 29446198.

NC_000017.10:g.(?_41196311)_(41203135_41209068)del

Gene: BRCA1 (BRCA1 DNA repair associated; minus strand). Cytogenetic location: 17q21.31.
Variant type: Deletion.
Identifiers: ClinVar variation 1027595 (VCV001027595.2).